The following is an entry in ClinVar:

NM_004006.3(DMD):c.7983G>A (p.Met2661Ile)

Gene: DMD (dystrophin; minus strand). Cytogenetic location: Xp21.1.
Variant type: single nucleotide variant.
Coding change: c.7983G>A on transcript NM_004006.3 (MANE Select); coding-DNA position 7983, G replaced by A.
Protein change: p.Met2661Ile; replaces methionine 2661 with isoleucine.
Molecular consequence: missense variant.
Genome position (GRCh38, 1-based): chrX:31,658,034, C>T on the plus strand (G>A on the coding strand, the complement: DMD is on the minus strand). VCF-style: chrX-31658034-C-T. GRCh37 (hg19) VCF-style: chrX-31676151-C-T.
Other names: c.7959G>A, p.Met2653Ile (NM_000109.4); c.7971G>A, p.Met2657Ile (NM_004009.3); c.7614G>A, p.Met2538Ile (NM_004010.3); c.3960G>A, p.Met1320Ile (NM_004011.4); c.3951G>A, p.Met1317Ile (NM_004012.4); c.603G>A, p.Met201Ile (NM_004013.3, NM_004020.4, NM_004021.3 and 2 more transcripts); short protein forms M1317I, M1320I, M201I, M2538I, M2653I, M2657I, M2661I.
Identifiers: ClinVar variation 4798815 (VCV004798815.1).
Genomic context (GRCh38, chrX:31,658,034, plus strand): 5'-ATAATGTAATTCATACCTTTTATGAATGCTTCTCCAAGAGGCATTGATATTCTCTGTTAT[C>T]ATGTGGACTTTTCTGGTATCATCTGCAGAATAATCCCGGAGAAGTTTCAGGGCCAAGTCA-3'
Protein context (NP_003997.2, residues 2651-2671): YSADDTRKVH[Met2661Ile]ITENINASWR

ClinVar aggregate classification (germline): Uncertain significance (1 of 4 stars; one submission).

Conditions:
Duchenne muscular dystrophy (DMD). Also called: MUSCULAR DYSTROPHY, PSEUDOHYPERTROPHIC PROGRESSIVE, DUCHENNE TYPE; Duchenne Muscular Dystrophy (DMD). Identifiers: Orphanet 98896, MedGen C0013264, MONDO:0010679, OMIM 310200.

gnomAD v4.1: 1 of 1,210,787 alleles (0.000083%); highest among the groups gnomAD compares: South Asian, 0.0018%; no homozygotes.

Submission:

Labcorp Genetics (formerly Invitae), Labcorp
Classification: Uncertain significance for Duchenne muscular dystrophy. Last evaluated: 2025-02-27. Review status: criteria provided, single submitter. Criteria: Invitae Variant Classification Sherloc (09022015). Collection method: clinical testing. Allele origin: germline.
Comment: This sequence change replaces methionine, which is neutral and non-polar, with isoleucine, which is neutral and non-polar, at codon 2661 of the DMD protein (p.Met2661Ile). This variant is present in population databases (rs761188998, gnomAD 0.005%). This variant has not been reported in the literature in individuals affected with DMD-related conditions. Invitae Evidence Modeling of protein sequence and biophysical properties (such as structural, functional, and spatial information, amino acid conservation, physicochemical variation, residue mobility, and thermodynamic stability) indicates that this missense variant is not expected to disrupt DMD protein function with a negative predictive value of 95%. In summary, the available evidence is currently insufficient to determine the role of this variant in disease. Therefore, it has been classified as a Variant of Uncertain Significance.